The following is an entry in ClinVar:

NM_000553.6(WRN):c.2281T>C (p.Trp761Arg)

Gene: WRN (WRN RecQ like helicase; plus strand). Cytogenetic location: 8p12.
Variant type: single nucleotide variant.
Coding change: c.2281T>C on transcript NM_000553.6 (MANE Select); coding-DNA position 2281, T replaced by C.
Protein change: p.Trp761Arg; replaces tryptophan 761 with arginine.
Molecular consequence: missense variant.
Genome position (GRCh38, 1-based): chr8:31,116,361, T>C. VCF-style: chr8-31116361-T-C. GRCh37 (hg19) VCF-style: chr8-30973877-T-C.
Other names: short protein forms W761R.
Identifiers: ClinVar variation 458412 (VCV000458412.7), dbSNP rs200009031, ClinGen allele CA174880096.
Genomic context (GRCh38, chr8:31,116,361, plus strand): 5'-TGAAGCATGTATAAAGTATATATGTTTGCTCTTTTGTTCTTCTTTTTCTTTAGTTCCCAC[T>C]GGGAATTTGAAGGTCCAACAATCATCTACTGTCCTTCTAGAAAAATGACACAACAAGTTA-3'
Protein context (NP_000544.2, residues 751-771): QPFLVKTSSH[Trp761Arg]EFEGPTIIYC

ClinVar aggregate classification (germline): Uncertain significance (1 of 4 stars; one submission).

Conditions:
Werner syndrome (WRN). Identifiers: Orphanet 902, MedGen C0043119, MONDO:0010196, OMIM 277700.

Allele frequency attached by ClinVar (database versions not stated): gnomAD exomes below 0.00001 and 0.00001; TOPMed below 0.00001.
gnomAD v4.1: 3 of 1,613,892 alleles (0.00019%); highest among the groups gnomAD compares: Non-Finnish European, 0.00025%; no homozygotes.

Submission:

Labcorp Genetics (formerly Invitae), Labcorp
Classification: Uncertain significance for Werner syndrome. Last evaluated: 2023-06-21. Review status: criteria provided, single submitter. Criteria: Invitae Variant Classification Sherloc (09022015). Collection method: clinical testing. Allele origin: germline.
Comment: This sequence change replaces tryptophan, which is neutral and slightly polar, with arginine, which is basic and polar, at codon 761 of the WRN protein (p.Trp761Arg). This variant is present in population databases (rs200009031, gnomAD 0.0009%). This variant has not been reported in the literature in individuals affected with WRN-related conditions. ClinVar contains an entry for this variant (Variation ID: 458412). An algorithm developed to predict the effect of missense changes on protein structure and function (PolyPhen-2) suggests that this variant is likely to be disruptive. In summary, the available evidence is currently insufficient to determine the role of this variant in disease. Therefore, it has been classified as a Variant of Uncertain Significance.